The following is an entry in ClinVar:

ClinVar aggregate classification (germline): Likely pathogenic (1 of 4 stars; one submission).

Conditions:
Dilated cardiomyopathy 1G (CMD1G). Identifiers: Orphanet 154, MedGen C1858763, MONDO:0011400, OMIM 604145.
Autosomal recessive limb-girdle muscular dystrophy type 2J (LGMDR10). Also called: Limb-girdle muscular dystrophy, type 2J; MUSCULAR DYSTROPHY, LIMB-GIRDLE, AUTOSOMAL RECESSIVE 10. Identifiers: Orphanet 140922, MedGen C1837342, MONDO:0012127, OMIM 608807.

Submission:

Labcorp Genetics (formerly Invitae), Labcorp
Classification: Likely pathogenic for Dilated cardiomyopathy 1G; Autosomal recessive limb-girdle muscular dystrophy type 2J. Last evaluated: 2024-10-18. Review status: criteria provided, single submitter. Criteria: Invitae Variant Classification Sherloc (09022015). Collection method: clinical testing. Allele origin: germline.
Comment: This sequence change creates a premature translational stop signal (p.Asp4317Glufs*15) in the TTN gene. While this is not anticipated to result in nonsense mediated decay, it is expected to create a truncated TTN protein. This variant is not present in population databases (gnomAD no frequency). This variant has not been reported in the literature in individuals affected with TTN-related conditions. ClinVar contains an entry for this variant (Variation ID: 2025370). This variant is located in the I band of TTN (PMID: 25589632). Truncating variants in this region have been reported in individuals affected with autosomal recessive centronuclear myopathy (PMID: 23975875, internal data). Truncating variants in this region have also been identified in individuals affected with autosomal dominant dilated cardiomyopathy and/or cardio-related conditions (PMID: 27869827, 32964742, internal data). In summary, the currently available evidence indicates that the variant is pathogenic, but additional data are needed to prove that conclusively. Therefore, this variant has been classified as Likely Pathogenic.

Literature cited by the submitters: PubMed 25589632; PubMed 23975875; PubMed 27869827; PubMed 32964742.

NM_001267550.2(TTN):c.12943_12950dup (p.Asp4317fs)

Gene: TTN (titin; minus strand). Cytogenetic location: 2q31.2.
Variant type: Duplication.
Coding change: c.12943_12950dup on transcript NM_001267550.2 (MANE Select); coding-DNA positions 12943 to 12950, 8 bases duplicated (GGGCAAGA; older notation c.12943_12950dupGGGCAAGA).
Protein change: p.Asp4317fs; shifts the reading frame from aspartic acid 4317.
Molecular consequence: frameshift variant. On other transcripts: intron variant (1).
Genome position (GRCh38, 1-based): chr2:178,740,283-178,740,290, TCTTGCCC duplicated on the plus strand (GGGCAAGA on the coding strand, the reverse complement: TTN is on the minus strand); duplicating any 8 consecutive bases within chr2:178,740,283-178,740,291 gives the same sequence; the c. name uses the placement nearest the transcript's 3' end. VCF-style (leftmost placement, unchanged base first): chr2-178740282-A-ATCTTGCCC. GRCh37 (hg19) VCF-style: chr2-179605009-A-ATCTTGCCC.
Other names: c.11992_11999dup, p.Asp4000fs (NM_001256850.1); c.11854_11861dup, p.Asp3954fs (NM_003319.4); c.12229_12236dup, p.Asp4079fs (NM_133432.3); c.12430_12437dup, p.Asp4146fs (NM_133437.4); c.10361-1930_10361-1923dup (NM_133378.4); short protein forms D4317fs, D4079fs, D4146fs, D3954fs, D4000fs.
Identifiers: ClinVar variation 2025370 (VCV002025370.4), dbSNP rs2530651173, ClinGen allele CA2580065127.